The following is an entry in ClinVar:

NM_001025603.2(RFX5):c.683G>A (p.Arg228His)

Gene: RFX5 (regulatory factor X5; minus strand). Cytogenetic location: 1q21.3.
Variant type: single nucleotide variant.
Coding change: c.683G>A on transcript NM_001025603.2 (MANE Select); coding-DNA position 683, G replaced by A.
Protein change: p.Arg228His; replaces arginine 228 with histidine.
Molecular consequence: missense variant.
Genome position (GRCh38, 1-based): chr1:151,343,755, C>T on the plus strand (G>A on the coding strand, the complement: RFX5 is on the minus strand). VCF-style: chr1-151343755-C-T. GRCh37 (hg19) VCF-style: chr1-151316231-C-T.
Other names: c.683G>A, p.Arg228His (NM_000449.4, NM_001379412.1, NM_001379413.1 and 5 more transcripts); c.563G>A, p.Arg188His (NM_001379419.1, NM_001379420.1); short protein forms R228H, R188H.
Identifiers: ClinVar variation 2183097 (VCV002183097.4), dbSNP rs755224518, ClinGen allele CA1089777.

ClinVar aggregate classification (germline): Uncertain significance (1 of 4 stars; one submission).

Conditions:
MHC class II deficiency. Also called: Bare lymphocyte syndrome 2; BLS, TYPE II. Identifiers: Orphanet 572, MedGen C5447452, MONDO:0008855.

Allele frequency attached by ClinVar (database versions not stated): gnomAD 0.00001; gnomAD exomes 0.00001; ExAC 0.00002.

Submission:

Labcorp Genetics (formerly Invitae), Labcorp
Classification: Uncertain significance for MHC class II deficiency. Last evaluated: 2025-08-15. Review status: criteria provided, single submitter. Criteria: Invitae Variant Classification Sherloc (09022015). Collection method: clinical testing. Allele origin: germline.
Comment: This sequence change replaces arginine, which is basic and polar, with histidine, which is basic and polar, at codon 228 of the RFX5 protein (p.Arg228His). This variant is present in population databases (rs755224518, gnomAD 0.003%). This variant has not been reported in the literature in individuals affected with RFX5-related conditions. ClinVar contains an entry for this variant (Variation ID: 2183097). An algorithm developed to predict the effect of missense changes on protein structure and function (PolyPhen-2) suggests that this variant is likely to be disruptive. In summary, the available evidence is currently insufficient to determine the role of this variant in disease. Therefore, it has been classified as a Variant of Uncertain Significance.